The following is an entry in ClinVar:

NM_002458.3(MUC5B):c.13674T>C (p.Thr4558=)

Gene: MUC5B (mucin 5B, oligomeric mucus/gel-forming; plus strand). Cytogenetic location: 11p15.5.
Variant type: single nucleotide variant.
Coding change: c.13674T>C on transcript NM_002458.3 (MANE Select); coding-DNA position 13674, T replaced by C.
Protein change: p.Thr4558=; no amino-acid change (threonine 4558 retained).
Molecular consequence: synonymous variant.
Genome position (GRCh38, 1-based): chr11:1,250,554, T>C. VCF-style: chr11-1250554-T-C. GRCh37 (hg19) VCF-style: chr11-1271784-T-C.
Identifiers: ClinVar variation 403192 (VCV000403192.5), dbSNP rs202088302, ClinGen allele CA5808382.

ClinVar aggregate classification (germline): Likely benign. Review status: criteria provided, multiple submitters, no conflicts (2 of 4 stars). 2 submissions from 2 submitters: Likely benign (2). Last evaluated 2016-03-28.

Allele frequency attached by ClinVar (database versions not stated): 1000 Genomes Project 30x 0.01437; 1000 Genomes Project 0.01498; TOPMed 0.01988; gnomAD 0.02525 and 0.02606; ESP Exome Variant Server 0.02760; gnomAD exomes 0.03024.
gnomAD v4.1: 47,749 of 1,609,898 alleles (3%); highest among the groups gnomAD compares: Non-Finnish European, 3.3%; 870 homozygotes.

Submissions (2):

Laboratory for Molecular Medicine, Mass General Brigham Personalized Medicine
Classification: Likely benign. Last evaluated: 2016-03-28. Review status: criteria provided, single submitter. Criteria: LMM Criteria. Collection method: clinical testing. Allele origin: germline.
Comment: Variant identified in a genome or exome case(s) and assessed due to predicted null impact of the variant or pathogenic assertions in the literature or databases. Disclaimer: This variant has not undergone full assessment. The following are preliminary notes: Frequency

Breakthrough Genomics
Classification: Likely benign. Review status: criteria provided, single submitter. Criteria: ACMG Guidelines, 2015. Collection method: not provided. Allele origin: germline. Inheritance: Autosomal dominant inheritance. Affected: yes.